The following is an entry in ClinVar:

ClinVar aggregate classification (germline): Uncertain significance (1 of 4 stars; one submission).

Conditions:
Cardiovascular phenotype. Identifiers: MedGen CN230736.

Submission:

Ambry Genetics
Classification: Uncertain significance for Cardiovascular phenotype. Last evaluated: 2024-01-27. Review status: criteria provided, single submitter. Criteria: Ambry Variant Classification Scheme 2023. Collection method: clinical testing. Allele origin: germline.
Comment: The p.A91G variant (also known as c.272C>G), located in coding exon 2 of the NRAS gene, results from a C to G substitution at nucleotide position 272. The alanine at codon 91 is replaced by glycine, an amino acid with similar properties. This amino acid position is conserved. In addition, this alteration is predicted to be tolerated by in silico analysis. Based on the available evidence, the clinical significance of this alteration remains unclear.

NM_002524.5(NRAS):c.272C>G (p.Ala91Gly)

Gene: NRAS (NRAS proto-oncogene, GTPase; minus strand). Cytogenetic location: 1p13.2.
Variant type: single nucleotide variant.
Coding change: c.272C>G on transcript NM_002524.5 (MANE Select); coding-DNA position 272, C replaced by G.
Protein change: p.Ala91Gly; replaces alanine 91 with glycine.
Molecular consequence: missense variant.
Genome position (GRCh38, 1-based): chr1:114,713,818, G>C on the plus strand (C>G on the coding strand, the complement: NRAS is on the minus strand). VCF-style: chr1-114713818-G-C. GRCh37 (hg19) VCF-style: chr1-115256439-G-C.
Other names: short protein forms A91G.
Identifiers: ClinVar variation 3222657 (VCV003222657.1), dbSNP rs774832953, ClinGen allele CA341741336.